The following is an entry in ClinVar:

ClinVar aggregate classification (germline): Conflicting classifications of pathogenicity. Review status: criteria provided, conflicting classifications (1 of 4 stars). 2 submissions from 2 submitters: Uncertain significance (1); Benign (1). Last evaluated 2023-05-12.

Allele frequency attached by ClinVar (database versions not stated): 1000 Genomes Project 0.00020; 1000 Genomes Project 30x 0.00031.
gnomAD v4.1: 28 of 1,614,154 alleles (0.0017%); highest among the groups gnomAD compares: East Asian, 0.033%; no homozygotes.

Submissions (2):

Blueprint Genetics
Classification: Benign. Last evaluated: 2023-05-12. Review status: criteria provided, single submitter. Criteria: ACMG Guidelines, 2015. Collection method: clinical testing. Allele origin: germline.

Labcorp Genetics (formerly Invitae), Labcorp
Classification: Uncertain significance. Last evaluated: 2022-01-12. Review status: criteria provided, single submitter. Criteria: Invitae Variant Classification Sherloc (09022015). Collection method: clinical testing. Allele origin: germline.
Comment: This sequence change replaces valine, which is neutral and non-polar, with leucine, which is neutral and non-polar, at codon 649 of the PCARE protein (p.Val649Leu). This variant is present in population databases (rs376195796, gnomAD 0.1%). This variant has not been reported in the literature in individuals affected with PCARE-related conditions. Algorithms developed to predict the effect of missense changes on protein structure and function output the following: SIFT: "Tolerated"; PolyPhen-2: "Benign"; Align-GVGD: "Class C0". The leucine amino acid residue is found in multiple mammalian species, which suggests that this missense change does not adversely affect protein function. In summary, the available evidence is currently insufficient to determine the role of this variant in disease. Therefore, it has been classified as a Variant of Uncertain Significance.

NM_001029883.3(PCARE):c.1945G>C (p.Val649Leu)

Gene: PCARE (photoreceptor cilium actin regulator; minus strand). Cytogenetic location: 2p23.2.
Variant type: single nucleotide variant.
Coding change: c.1945G>C on transcript NM_001029883.3 (MANE Select); coding-DNA position 1945, G replaced by C.
Protein change: p.Val649Leu; replaces valine 649 with leucine.
Molecular consequence: missense variant.
Genome position (GRCh38, 1-based): chr2:29,072,317, C>G on the plus strand (G>C on the coding strand, the complement: PCARE is on the minus strand). VCF-style: chr2-29072317-C-G. GRCh37 (hg19) VCF-style: chr2-29295183-C-G.
Other names: short protein forms V649L.
Identifiers: ClinVar variation 1428389 (VCV001428389.6), dbSNP rs376195796, ClinGen allele CA1592319.
Genomic context (GRCh38, chr2:29,072,317, plus strand): 5'-ATGCCTTGAGCCTGCTGGTGGTGTTGCTTGGACTGACCCTGCAGGTGCCATTGGGCCACA[C>G]GGCGGCTGCTCTGGGCTGCAGAATTTGCTCCTGGCTCTGCCCCTGCCCTTTGGCACCCAG-3'
Protein context (NP_001025054.1, residues 639-659): EQILQPRAAA[Val649Leu]WPNGTCRVSP